The following is an entry in ClinVar:

ClinVar aggregate classification (germline): Likely pathogenic (1 of 4 stars; one submission).

Submission:

GeneDx
Classification: Likely pathogenic. Last evaluated: 2017-10-03. Review status: criteria provided, single submitter. Criteria: GeneDx Variant Classification (06012015). Collection method: clinical testing. Allele origin: germline. Affected: yes.
Comment: The Y1333X variant has not been published as a pathogenic variant, nor has it been reported as a benign variant to our knowledge. The Y1333X nonsense variant in the MBD5 gene is predicted to cause loss of normal protein function either through protein truncation or nonsense-mediated mRNA decay. The Y1333X variant is not observed in large population cohorts (Lek et al., 2016; 1000 Genomes Consortium et al., 2015; Exome Variant Server). Therefore, this variant is likely pathogenic however, the possibility that it is benign cannot be excluded.

NM_001378120.1(MBD5):c.4698C>A (p.Tyr1566Ter)

Gene: MBD5 (methyl-CpG binding domain protein 5; plus strand). Cytogenetic location: 2q23.1.
Variant type: single nucleotide variant.
Coding change: c.4698C>A on transcript NM_001378120.1 (MANE Select); coding-DNA position 4698, C replaced by A.
Protein change: p.Tyr1566Ter; replaces tyrosine 1566 with a stop codon.
Molecular consequence: nonsense.
Genome position (GRCh38, 1-based): chr2:148,490,330, C>A. VCF-style: chr2-148490330-C-A. GRCh37 (hg19) VCF-style: chr2-149247899-C-A.
Other names: c.3999C>A, p.Tyr1333Ter (NM_018328.5); short protein forms Y1333*, Y1566*.
Identifiers: ClinVar variation 489062 (VCV000489062.2), dbSNP rs1553520624, ClinGen allele CA348730360.